The following is an entry in ClinVar:

ClinVar aggregate classification (germline): Uncertain significance. Review status: criteria provided, multiple submitters, no conflicts (2 of 4 stars). 2 submissions from 2 submitters: Uncertain significance (2). Last evaluated 2024-10-18.

Allele frequency attached by ClinVar (database versions not stated): TOPMed 0.00002.

Submissions (2):

GeneDx
Classification: Uncertain significance. Last evaluated: 2024-10-18. Review status: criteria provided, single submitter. Criteria: GeneDx Variant Classification Process June 2021. Collection method: clinical testing. Allele origin: germline. Affected: yes.
Comment: Not observed at significant frequency in large population cohorts (gnomAD); In silico analysis supports that this missense variant has a deleterious effect on protein structure/function; Has not been previously published as pathogenic or benign to our knowledge

Women's Health and Genetics/Laboratory Corporation of America, LabCorp
Classification: Uncertain significance. Last evaluated: 2019-12-24. Review status: criteria provided, single submitter. Criteria: LabCorp Variant Classification Summary - May 2015. Collection method: clinical testing. Allele origin: germline.
Comment: Variant summary: SLC25A1 c.190T>G (p.Tyr64Asp) results in a non-conservative amino acid change in the encoded protein sequence. Five of five in-silico tools predict a damaging effect of the variant on protein function. The variant was absent in 142750 control chromosomes (gnomAD). The available data on variant occurrences in the general population are insufficient to allow any conclusion about variant significance. To our knowledge, no occurrence of c.190T>G in individuals affected with Myasthenic syndrome, congenital, 23, presynaptic and no experimental evidence demonstrating its impact on protein function have been reported. No clinical diagnostic laboratories have submitted clinical-significance assessments for this variant to ClinVar after 2014. Based on the evidence outlined above, the variant was classified as uncertain significance.

NM_005984.5(SLC25A1):c.190T>G (p.Tyr64Asp)

Gene: SLC25A1 (solute carrier family 25 member 1; minus strand). Cytogenetic location: 22q11.21.
Variant type: single nucleotide variant.
Coding change: c.190T>G on transcript NM_005984.5 (MANE Select); coding-DNA position 190, T replaced by G.
Protein change: p.Tyr64Asp; replaces tyrosine 64 with aspartic acid.
Molecular consequence: missense variant. On other transcripts: 5 prime UTR variant (1), non-coding transcript variant (1).
Genome position (GRCh38, 1-based): chr22:19,178,145, A>C on the plus strand (T>G on the coding strand, the complement: SLC25A1 is on the minus strand). VCF-style: chr22-19178145-A-C. GRCh37 (hg19) VCF-style: chr22-19165658-A-C.
Other names: c.211T>G, p.Tyr71Asp (NM_001256534.2); c.-120T>G (NM_001287387.2); c.190T>G (NM_005984.3); short protein forms Y64D, Y71D.
Identifiers: ClinVar variation 929157 (VCV000929157.2), dbSNP rs2084000148, ClinGen allele CA410642495.
Genomic context (GRCh38, chr22:19,178,145, plus strand): 5'-CGCCCTGGGTACCCGCCCCCCGCGGCGCCGCGGCCTCCCCCTCCTCACCGATGCCCCGGT[A>C]CCGCGGCGGGTGCGAGCGCTCGTCCAGCTGCAGCTGCGTCTTCACGTACTCGGTGGGGAA-3'
Protein context (NP_005975.1, residues 54-74): QLDERSHPPR[Tyr64Asp]RGIGDCVRQT